The following is an entry in ClinVar:

NM_004036.5(ADCY3):c.2704C>A (p.Arg902Ser)

Gene: ADCY3 (adenylate cyclase 3; minus strand). Cytogenetic location: 2p23.3.
Variant type: single nucleotide variant.
Coding change: c.2704C>A on transcript NM_004036.5 (MANE Select); coding-DNA position 2704, C replaced by A.
Protein change: p.Arg902Ser; replaces arginine 902 with serine.
Molecular consequence: missense variant.
Genome position (GRCh38, 1-based): chr2:24,824,410, G>T on the plus strand (C>A on the coding strand, the complement: ADCY3 is on the minus strand). VCF-style: chr2-24824410-G-T. GRCh37 (hg19) VCF-style: chr2-25047279-G-T.
Other names: c.2707C>A, p.Arg903Ser (NM_001320613.2); c.2770C>A, p.Arg924Ser (NM_001377128.1); c.2566C>A, p.Arg856Ser (NM_001377129.1); c.2299C>A, p.Arg767Ser (NM_001377130.1); c.1981C>A, p.Arg661Ser (NM_001377131.1); c.2704C>A, p.Arg902Ser (NM_001377132.1); short protein forms R661S, R767S, R856S, R924S, R902S, R903S.
Identifiers: ClinVar variation 4998218 (VCV004998218.1).

ClinVar aggregate classification (germline): Uncertain significance (1 of 4 stars; one submission).

Conditions:
ADCY3-related disorder. Also called: ADCY3-related condition.

Submission:

PreventionGenetics, part of Exact Sciences
Classification: Uncertain significance for ADCY3-related condition. Last evaluated: 2025-06-02. Review status: criteria provided, single submitter. Criteria: ACMG Guidelines, 2015. Collection method: clinical testing. Allele origin: germline.
Comment: The ADCY3 c.2707C>A variant is predicted to result in the amino acid substitution p.Arg903Ser. To our knowledge, this variant has not been reported in the literature or in a large population database (gnomAD), indicating this variant is rare. At this time, the clinical significance of this variant is uncertain due to the absence of conclusive functional and genetic evidence.